The following is an entry in ClinVar:

ClinVar aggregate classification (germline): Uncertain significance (1 of 4 stars; one submission).

Conditions:
SEMA3G-related disorder. Also called: SEMA3G-related condition.

gnomAD v4.1: 1 of 1,614,106 alleles (0.000062%); highest among the groups gnomAD compares: Non-Finnish European, 0.000085%; no homozygotes.

Submission:

PreventionGenetics, part of Exact Sciences
Classification: Uncertain significance for SEMA3G-related condition. Last evaluated: 2025-05-29. Review status: criteria provided, single submitter. Criteria: ACMG Guidelines, 2015. Collection method: clinical testing. Allele origin: germline.
Comment: The SEMA3G c.2105C>T variant is predicted to result in the amino acid substitution p.Pro702Leu. To our knowledge, this variant has not been reported in the literature. This variant is reported in 0.00088% of alleles in individuals of European (Non-Finnish) descent in gnomAD. At this time, the clinical significance of this variant is uncertain due to the absence of conclusive functional and genetic evidence.

NM_020163.3(SEMA3G):c.2105C>T (p.Pro702Leu)

Gene: SEMA3G (semaphorin 3G; minus strand). Cytogenetic location: 3p21.1.
Variant type: single nucleotide variant.
Coding change: c.2105C>T on transcript NM_020163.3 (MANE Select); coding-DNA position 2105, C replaced by T.
Protein change: p.Pro702Leu; replaces proline 702 with leucine.
Molecular consequence: missense variant.
Genome position (GRCh38, 1-based): chr3:52,435,847, G>A on the plus strand (C>T on the coding strand, the complement: SEMA3G is on the minus strand). VCF-style: chr3-52435847-G-A. GRCh37 (hg19) VCF-style: chr3-52469863-G-A.
Other names: short protein forms P702L.
Identifiers: ClinVar variation 5002101 (VCV005002101.1).
Genomic context (GRCh38, chr3:52,435,847, plus strand): 5'-ACCCGGGGCAGGTTGGCGAAGCCAATGAGCTGCAGGATGTCCTTGTACCAGGCCTTGGGT[G>A]GGGTGGAAGCCAGGCCTCCCCGGGCTGGGGGCTCCTCTGGCTTTGGCTCCGGAGGGAACA-3'
Protein context (NP_064548.1, residues 692-712): PPARGGLAST[Pro702Leu]PKAWYKDILQ